The following is an entry in ClinVar:

NM_173689.7(CRB2):c.370C>A (p.Arg124Ser)

Gene: CRB2 (crumbs cell polarity complex component 2; plus strand). Cytogenetic location: 9q33.3.
Variant type: single nucleotide variant.
Coding change: c.370C>A on transcript NM_173689.7 (MANE Select); coding-DNA position 370, C replaced by A.
Protein change: p.Arg124Ser; replaces arginine 124 with serine.
Molecular consequence: missense variant.
Genome position (GRCh38, 1-based): chr9:123,363,140, C>A. VCF-style: chr9-123363140-C-A. GRCh37 (hg19) VCF-style: chr9-126125419-C-A.
Other names: c.370C>A (NM_173689.5); short protein forms R124S.
Identifiers: ClinVar variation 965349 (VCV000965349.10), dbSNP rs148573710, ClinGen allele CA374854267.

ClinVar aggregate classification (germline): Uncertain significance. Review status: criteria provided, multiple submitters, no conflicts (2 of 4 stars). 2 submissions from 2 submitters: Uncertain significance (2). Last evaluated 2024-07-31.

Conditions:
Inborn genetic diseases. Identifiers: MedGen C0950123, MeSH D030342.

Allele frequency attached by ClinVar (database versions not stated): TOPMed 0.00001.
gnomAD v4.1: 40 of 1,610,830 alleles (0.0025%); highest among the groups gnomAD compares: Non-Finnish European, 0.0031%; no homozygotes.

Submissions (2):

Ambry Genetics
Classification: Uncertain significance for Inborn genetic diseases. Last evaluated: 2024-07-31. Review status: criteria provided, single submitter. Criteria: Ambry Variant Classification Scheme 2023. Collection method: clinical testing. Allele origin: germline.

Labcorp Genetics (formerly Invitae), Labcorp
Classification: Uncertain significance. Last evaluated: 2019-10-26. Review status: criteria provided, single submitter. Criteria: Invitae Variant Classification Sherloc (09022015). Collection method: clinical testing. Allele origin: germline.
Comment: This variant has not been reported in the literature in individuals with CRB2-related conditions. Algorithms developed to predict the effect of sequence changes on RNA splicing suggest that this variant may create or strengthen a splice site, but this prediction has not been confirmed by published transcriptional studies. In summary, the available evidence is currently insufficient to determine the role of this variant in disease. Therefore, it has been classified as a Variant of Uncertain Significance. This sequence change replaces arginine with serine at codon 124 of the CRB2 protein (p.Arg124Ser). The arginine residue is weakly conserved and there is a moderate physicochemical difference between arginine and serine. This variant is not present in population databases (ExAC no frequency).